The following is an entry in ClinVar:

ClinVar aggregate classification (germline): Uncertain significance (1 of 4 stars; one submission).

Conditions:
Migraine, familial hemiplegic, 3. Identifiers: Orphanet 569, MedGen C1864987, MONDO:0012320, OMIM 609634.
Severe myoclonic epilepsy in infancy (DRVT). Also called: SEVERE MYOCLONIC EPILEPSY OF INFANCY; DEVELOPMENTAL AND EPILEPTIC ENCEPHALOPATHY 6A; Severe Myoclonic Epilepsy in Infancy (SMEI); Dravet syndrome; Epileptic encephalopathy, early infantile, 6 (Dravet syndrome). Identifiers: Orphanet 33069, MedGen C0751122, MONDO:0100135, OMIM 607208.
Developmental and epileptic encephalopathy 6B. Also called: Developmental and epileptic encephalopathy 6B, non-Dravet. Identifiers: MedGen C5543353, MONDO:0030268, OMIM 619317.
Generalized epilepsy with febrile seizures plus, type 2 (GEFSP2). Also called: GEFS+, TYPE 2. Identifiers: Orphanet 36387, MedGen C1858673, MONDO:0011461, OMIM 604403.

Submission:

Juno Genomics, Hangzhou Juno Genomics, Inc
Classification: Uncertain significance for Developmental and epileptic encephalopathy 6B; Severe myoclonic epilepsy in infancy; Generalized epilepsy with febrile seizures plus, type 2; Migraine, familial hemiplegic, 3. Review status: criteria provided, single submitter. Criteria: ACMG Guidelines, 2015. Collection method: clinical testing. Allele origin: germline.
Comment: Missense variant in a gene that has a low rate of benign missense variation.;Multiple lines of computational evidence support a deleterious effect on the gene or gene product.;Absent from controls (or at extremely low frequency if recessive) in Genome Aggregation Database.

NM_001165963.4(SCN1A):c.199G>A (p.Asp67Asn)

Gene: SCN1A (sodium voltage-gated channel alpha subunit 1; minus strand). Cytogenetic location: 2q24.3.
Variant type: single nucleotide variant.
Coding change: c.199G>A on transcript NM_001165963.4 (MANE Select); coding-DNA position 199, G replaced by A.
Protein change: p.Asp67Asn; replaces aspartic acid 67 with asparagine.
Molecular consequence: missense variant. On other transcripts: 5 prime UTR variant (1), non-coding transcript variant (1).
Genome position (GRCh38, 1-based): chr2:166,073,423, C>T on the plus strand (G>A on the coding strand, the complement: SCN1A is on the minus strand). VCF-style: chr2-166073423-C-T. GRCh37 (hg19) VCF-style: chr2-166929933-C-T.
Other names: c.199G>A, p.Asp67Asn (NM_001165964.3, NM_001202435.3, NM_001353948.2 and 10 more transcripts); c.-2227G>A (NM_001353961.2); short protein forms D67N.
Identifiers: ClinVar variation 5006119 (VCV005006119.2).